The following is an entry in ClinVar:

ClinVar aggregate classification (germline): Uncertain significance. Review status: criteria provided, multiple submitters, no conflicts (2 of 4 stars). 4 submissions from 4 submitters: Uncertain significance (4). Last evaluated 2026-07-18.

Conditions:
Leber congenital amaurosis 1 (LCA1). Also called: AMAUROSIS CONGENITA OF LEBER I; Congenital absence of the rods and cones; Leber's congenital tapetoretinal degeneration; Leber's congenital tapetoretinal dysplasia; RETINAL BLINDNESS, CONGENITAL. Identifiers: Orphanet 65, MedGen C2931258, MONDO:0008764, OMIM 204000.
Cone-rod dystrophy 6 (CORD6). Also called: Cone dystrophy progressive; RETINAL CONE DYSTROPHY 2. Identifiers: Orphanet 1872, MedGen C1866293, MONDO:0011143, OMIM 601777.
GUCY2D-related disorder. Also called: GUCY2D-related condition.
Inborn genetic diseases. Identifiers: MedGen C0950123, MeSH D030342.

Allele frequency attached by ClinVar (database versions not stated): gnomAD 0.00001; TOPMed 0.00002.
gnomAD v4.1: 2 of 1,595,658 alleles (0.00013%); highest among the groups gnomAD compares: Non-Finnish European, 0.00017%; no homozygotes.

Submissions (4):

PreventionGenetics, part of Exact Sciences
Classification: Uncertain significance for GUCY2D-related condition. Last evaluated: 2026-07-18. Review status: criteria provided, single submitter. Criteria: ACMG Guidelines, 2015. Collection method: clinical testing. Allele origin: germline.
Comment: The GUCY2D c.623G>A variant is predicted to result in the amino acid substitution p.Arg208Gln. To our knowledge, this variant has not been reported in the literature or in a large population database (gnomAD), indicating this variant is rare. At this time, the clinical significance of this variant is uncertain due to the absence of conclusive functional and genetic evidence.

Labcorp Genetics (formerly Invitae), Labcorp
Classification: Uncertain significance for Leber congenital amaurosis 1; Cone-rod dystrophy 6. Last evaluated: 2025-11-17. Review status: criteria provided, single submitter. Criteria: Invitae Variant Classification Sherloc (09022015). Collection method: clinical testing. Allele origin: germline.
Comment: This sequence change replaces arginine, which is basic and polar, with glutamine, which is neutral and polar, at codon 208 of the GUCY2D protein (p.Arg208Gln). This variant is not present in population databases (gnomAD no frequency). This variant has not been reported in the literature in individuals affected with GUCY2D-related conditions. ClinVar contains an entry for this variant (Variation ID: 1005340). Invitae Evidence Modeling of protein sequence and biophysical properties (such as structural, functional, and spatial information, amino acid conservation, physicochemical variation, residue mobility, and thermodynamic stability) indicates that this missense variant is not expected to disrupt GUCY2D protein function with a negative predictive value of 80%. In summary, the available evidence is currently insufficient to determine the role of this variant in disease. Therefore, it has been classified as a Variant of Uncertain Significance.

Ambry Genetics
Classification: Uncertain significance for Inborn genetic diseases. Last evaluated: 2025-02-10. Review status: criteria provided, single submitter. Criteria: Ambry Variant Classification Scheme 2023. Collection method: clinical testing. Allele origin: germline.

Blueprint Genetics
Classification: Uncertain significance. Last evaluated: 2024-02-09. Review status: criteria provided, single submitter. Criteria: ACMG Guidelines, 2015. Collection method: clinical testing. Allele origin: germline.

NM_000180.4(GUCY2D):c.623G>A (p.Arg208Gln)

Gene: GUCY2D (guanylate cyclase 2D, retinal; plus strand). Cytogenetic location: 17p13.1.
Variant type: single nucleotide variant.
Coding change: c.623G>A on transcript NM_000180.4 (MANE Select); coding-DNA position 623, G replaced by A.
Protein change: p.Arg208Gln; replaces arginine 208 with glutamine.
Molecular consequence: missense variant.
Genome position (GRCh38, 1-based): chr17:8,003,670, G>A. VCF-style: chr17-8003670-G-A. GRCh37 (hg19) VCF-style: chr17-7906988-G-A.
Other names: c.623G>A (NM_000180.3); short protein forms R208Q.
Identifiers: ClinVar variation 1005340 (VCV001005340.11), dbSNP rs765369504, ClinGen allele CA397944547.